The following is an entry in ClinVar:

ClinVar aggregate classification (germline): Uncertain significance. Review status: criteria provided, multiple submitters, no conflicts (2 of 4 stars). 4 submissions from 4 submitters: Uncertain significance (4). Last evaluated 2024-10-08.

Conditions:
Fanconi anemia (FA). Also called: Fanconi's anemia. Identifiers: Orphanet 84, MedGen C0015625, MeSH D005199, MONDO:0019391.
Fanconi anemia complementation group P. Also called: SLX4-Related Fanconi Anemia. Identifiers: Orphanet 84, MedGen C3469542, MONDO:0013499, OMIM 613951.

Allele frequency attached by ClinVar (database versions not stated): TOPMed 0.00001; gnomAD 0.00003.
gnomAD v4.1: 72 of 1,612,740 alleles (0.0045%); highest among the groups gnomAD compares: Non-Finnish European, 0.0061%; no homozygotes.

Submissions (4):

Labcorp Genetics (formerly Invitae), Labcorp
Classification: Uncertain significance for Fanconi anemia. Last evaluated: 2024-10-08. Review status: criteria provided, single submitter. Criteria: Invitae Variant Classification Sherloc (09022015). Collection method: clinical testing. Allele origin: germline.
Comment: This sequence change replaces arginine, which is basic and polar, with proline, which is neutral and non-polar, at codon 1021 of the SLX4 protein (p.Arg1021Pro). This variant is present in population databases (rs200842643, gnomAD 0.007%). This variant has not been reported in the literature in individuals affected with SLX4-related conditions. ClinVar contains an entry for this variant (Variation ID: 319160). An algorithm developed to predict the effect of missense changes on protein structure and function outputs the following: PolyPhen-2: "Benign". The proline amino acid residue is found in multiple mammalian species, which suggests that this missense change does not adversely affect protein function. In summary, the available evidence is currently insufficient to determine the role of this variant in disease. Therefore, it has been classified as a Variant of Uncertain Significance.

Fulgent Genetics
Classification: Uncertain significance for Fanconi anemia complementation group P. Last evaluated: 2024-03-27. Review status: criteria provided, single submitter. Criteria: ACMG Guidelines, 2015. Collection method: clinical testing. Allele origin: germline.

GeneDx
Classification: Uncertain significance. Last evaluated: 2020-01-16. Review status: criteria provided, single submitter. Criteria: GeneDx Variant Classification Process June 2021. Collection method: clinical testing. Allele origin: germline. Affected: yes.
Comment: In silico analysis, which includes protein predictors and evolutionary conservation, supports that this variant does not alter protein structure/function; Has not been previously published as pathogenic or benign to our knowledge

ARUP Laboratories, Molecular Genetics and Genomics, ARUP Laboratories
Classification: Uncertain significance. Last evaluated: 2017-04-10. Review status: criteria provided, single submitter. Criteria: ARUP Molecular Germline Variant Investigation Process. Collection method: clinical testing. Allele origin: germline.

NM_032444.4(SLX4):c.3062G>C (p.Arg1021Pro)

Gene: SLX4 (SLX4 structure-specific endonuclease subunit; minus strand). Cytogenetic location: 16p13.3.
Variant type: single nucleotide variant.
Coding change: c.3062G>C on transcript NM_032444.4 (MANE Select); coding-DNA position 3062, G replaced by C.
Protein change: p.Arg1021Pro; replaces arginine 1021 with proline.
Molecular consequence: missense variant.
Genome position (GRCh38, 1-based): chr16:3,590,576, C>G on the plus strand (G>C on the coding strand, the complement: SLX4 is on the minus strand). VCF-style: chr16-3590576-C-G. GRCh37 (hg19) VCF-style: chr16-3640577-C-G.
Other names: c.3062G>C (LRG_503t1); short protein forms R1021P.
Identifiers: ClinVar variation 319160 (VCV000319160.19), dbSNP rs200842643, ClinGen allele CA7866006.